The following is an entry in ClinVar:

ClinVar aggregate classification (germline): Uncertain significance. Review status: criteria provided, multiple submitters, no conflicts (2 of 4 stars). 2 submissions from 2 submitters: Uncertain significance (2). Last evaluated 2024-09-21.

Conditions:
RASopathy. Also called: Noonan spectrum disorder; rasopathies. Identifiers: Orphanet 536391, MedGen C5555857, MONDO:0021060.
Cardiovascular phenotype. Identifiers: MedGen CN230736.

Allele frequency attached by ClinVar (database versions not stated): TOPMed below 0.00001.

Submissions (2):

Labcorp Genetics (formerly Invitae), Labcorp
Classification: Uncertain significance for RASopathy. Last evaluated: 2024-09-21. Review status: criteria provided, single submitter. Criteria: Invitae Variant Classification Sherloc (09022015). Collection method: clinical testing. Allele origin: germline.
Comment: This sequence change replaces glutamine, which is neutral and polar, with proline, which is neutral and non-polar, at codon 247 of the MAP2K2 protein (p.Gln247Pro). This variant is not present in population databases (gnomAD no frequency). This variant has not been reported in the literature in individuals affected with MAP2K2-related conditions. ClinVar contains an entry for this variant (Variation ID: 1007055). Invitae Evidence Modeling incorporating data from in vitro experimental studies (internal data) indicates that this missense variant is not expected to disrupt MAP2K2 function with a negative predictive value of 95%. In summary, the available evidence is currently insufficient to determine the role of this variant in disease. Therefore, it has been classified as a Variant of Uncertain Significance.

Ambry Genetics
Classification: Uncertain significance for Cardiovascular phenotype. Last evaluated: 2022-09-05. Review status: criteria provided, single submitter. Criteria: Ambry Variant Classification Scheme 2023. Collection method: clinical testing. Allele origin: germline.
Comment: The p.Q247P variant (also known as c.740A>C), located in coding exon 7 of the MAP2K2 gene, results from an A to C substitution at nucleotide position 740. The glutamine at codon 247 is replaced by proline, an amino acid with similar properties. This amino acid position is conserved. In addition, this alteration is predicted to be deleterious by in silico analysis. Since supporting evidence is limited at this time, the clinical significance of this alteration remains unclear.

NM_030662.4(MAP2K2):c.740A>C (p.Gln247Pro)

Gene: MAP2K2 (mitogen-activated protein kinase kinase 2; minus strand). Cytogenetic location: 19p13.3.
Variant type: single nucleotide variant.
Coding change: c.740A>C on transcript NM_030662.4 (MANE Select); coding-DNA position 740, A replaced by C.
Protein change: p.Gln247Pro; replaces glutamine 247 with proline.
Molecular consequence: missense variant.
Genome position (GRCh38, 1-based): chr19:4,099,380, T>G on the plus strand (A>C on the coding strand, the complement: MAP2K2 is on the minus strand). VCF-style: chr19-4099380-T-G. GRCh37 (hg19) VCF-style: chr19-4099378-T-G.
Other names: short protein forms Q247P.
Identifiers: ClinVar variation 1007055 (VCV001007055.8), dbSNP rs1226120513, ClinGen allele CA403387759.